The following is an entry in ClinVar:

NM_000428.3(LTBP2):c.578C>T (p.Pro193Leu)

Gene: LTBP2 (latent transforming growth factor beta binding protein 2; minus strand). Cytogenetic location: 14q24.3.
Variant type: single nucleotide variant.
Coding change: c.578C>T on transcript NM_000428.3 (MANE Select); coding-DNA position 578, C replaced by T.
Protein change: p.Pro193Leu; replaces proline 193 with leucine.
Molecular consequence: missense variant.
Genome position (GRCh38, 1-based): chr14:74,586,106, G>A on the plus strand (C>T on the coding strand, the complement: LTBP2 is on the minus strand). VCF-style: chr14-74586106-G-A. GRCh37 (hg19) VCF-style: chr14-75052809-G-A.
Other names: short protein forms P193L.
Identifiers: ClinVar variation 440976 (VCV000440976.5), dbSNP rs1221770546, ClinGen allele CA390384388.
Genomic context (GRCh38, chr14:74,586,106, plus strand): 5'-AAACCAGAGCGGCAGACACAGAGCTGCGGGCGGCTGCAGGAGCCCCGGTTCTGGCACGGC[G>A]GCTCGCAAACGGCTGAGGACACAGGGAGAGAGGTGACAGCAGTGGCCATAGGGCACTGAG-3'
Protein context (NP_000419.1, residues 183-203): TNHCIKPVCE[Pro193Leu]PCQNRGSCSR

ClinVar aggregate classification (germline): Uncertain significance (1 of 4 stars; one submission).

Conditions:
LTBP2-related disorder. Also called: LTBP2-related condition; LTBP2-related disorders.

Allele frequency attached by ClinVar (database versions not stated): gnomAD exomes 0.00001.
gnomAD v4.1: 16 of 1,596,122 alleles (0.001%); highest among the groups gnomAD compares: Non-Finnish European, 0.0013%; no homozygotes.

Submission:

Labcorp Genetics (formerly Invitae), Labcorp
Classification: Uncertain significance. Last evaluated: 2022-08-09. Review status: criteria provided, single submitter. Criteria: Invitae Variant Classification Sherloc (09022015). Collection method: clinical testing. Allele origin: germline.
Comment: This sequence change replaces proline, which is neutral and non-polar, with leucine, which is neutral and non-polar, at codon 193 of the LTBP2 protein (p.Pro193Leu). The frequency data for this variant in the population databases is considered unreliable, as metrics indicate poor data quality at this position in the gnomAD database. This variant has not been reported in the literature in individuals affected with LTBP2-related conditions. ClinVar contains an entry for this variant (Variation ID: 440976). Algorithms developed to predict the effect of missense changes on protein structure and function (SIFT, PolyPhen-2, Align-GVGD) all suggest that this variant is likely to be disruptive. In summary, the available evidence is currently insufficient to determine the role of this variant in disease. Therefore, it has been classified as a Variant of Uncertain Significance.